The following is an entry in ClinVar:

NM_020458.4(TTC7A):c.138dup (p.Asn47Ter)

Genes: MCFD2 (multiple coagulation factor deficiency 2, ER cargo receptor complex subunit; minus strand), TTC7A (tetratricopeptide repeat domain 7A; plus strand). Cytogenetic location: 2p21.
Variant type: Duplication.
Coding change: c.138dup on transcript NM_020458.4 (MANE Select); coding-DNA position 138, one base duplicated (T; older notation c.138dupT).
Protein change: p.Asn47Ter; replaces asparagine 47 with a stop codon.
Molecular consequence: nonsense. On other transcripts: 5 prime UTR variant (3), intron variant (1).
Genome position (GRCh38, 1-based): chr2:46,941,679, T duplicated. VCF-style (leftmost placement, unchanged base first): chr2-46941678-G-GT. GRCh37 (hg19) VCF-style: chr2-47168817-G-GT.
Other names: c.138dup, p.Asn47Ter (NM_001288951.2); c.-767dup (NM_001288955.2); c.-114dup (NM_001171508.2); c.-16dup (NM_001171511.3); c.83-8684dup (NM_001288953.2); short protein forms N47*.
Identifiers: ClinVar variation 996288 (VCV000996288.4), dbSNP rs1670398017, ClinGen allele CA2495572259.

ClinVar aggregate classification (germline): Likely pathogenic (1 of 4 stars; one submission).

Conditions:
Severe combined immunodeficiency disease. Also called: Severe Combined Immune Deficiency; Severe combined immunodeficiency. Identifiers: Orphanet 183660, MedGen C0085110, MeSH D016511, MONDO:0015974, HP:0004430. Inheritance: X-Linked or Autosomal recessive.

Submission:

Women's Health and Genetics/Laboratory Corporation of America, LabCorp
Classification: Likely pathogenic for Severe combined immunodeficiency disease. Last evaluated: 2021-01-06. Review status: criteria provided, single submitter. Criteria: LabCorp Variant Classification Summary - May 2015. Collection method: clinical testing. Allele origin: germline.
Comment: Variant summary: TTC7A c.138dupT (p.Asn47X) results in a premature termination codon, predicted to cause a truncation of the encoded protein or absence of the protein due to nonsense mediated decay, which are commonly known mechanisms for disease. The variant was absent in 143994 control chromosomes (gnomAD). To our knowledge, no occurrence of c.138dupT in individuals affected with Severe Combined Immunodeficiency Syndrome and no experimental evidence demonstrating its impact on protein function have been reported. No clinical diagnostic laboratories have submitted clinical-significance assessments for this variant to ClinVar after 2014. Based on the evidence outlined above, the variant was classified as likely pathogenic.